The following is an entry in ClinVar:

NM_003482.4(KMT2D):c.10987G>A (p.Ala3663Thr)

Gene: KMT2D (lysine methyltransferase 2D; minus strand). Cytogenetic location: 12q13.12.
Variant type: single nucleotide variant.
Coding change: c.10987G>A on transcript NM_003482.4 (MANE Select); coding-DNA position 10987, G replaced by A.
Protein change: p.Ala3663Thr; replaces alanine 3663 with threonine.
Molecular consequence: missense variant.
Genome position (GRCh38, 1-based): chr12:49,033,718, C>T on the plus strand (G>A on the coding strand, the complement: KMT2D is on the minus strand). VCF-style: chr12-49033718-C-T. GRCh37 (hg19) VCF-style: chr12-49427501-C-T.
Other names: c.10987G>A (NM_003482.3); short protein forms A3663T.
Identifiers: ClinVar variation 134715 (VCV000134715.4), dbSNP rs587778476, ClinGen allele CA160599.

ClinVar aggregate classification (germline): Uncertain significance. Review status: criteria provided, multiple submitters, no conflicts (2 of 4 stars). 3 submissions from 3 submitters: Uncertain significance (2). 1 of the submissions does not count toward it. Last evaluated 2025-08-18.

Conditions:
KMT2D-related disorder. Also called: KMT2D-Related Disorders.
Inborn genetic diseases. Identifiers: MedGen C0950123, MeSH D030342.

Allele frequency attached by ClinVar (database versions not stated): gnomAD exomes below 0.00001; gnomAD 0.00001; TOPMed 0.00002.
gnomAD v4.1: 3 of 1,613,478 alleles (0.00019%); highest among the groups gnomAD compares: African/African-American, 0.004%; no homozygotes.

Submissions (3):

PreventionGenetics, part of Exact Sciences
Classification: Uncertain significance for KMT2D-related condition. Last evaluated: 2025-08-18. Review status: criteria provided, single submitter. Criteria: ACMG Guidelines, 2015. Collection method: clinical testing. Allele origin: germline.
Comment: The KMT2D c.10987G>A variant is predicted to result in the amino acid substitution p.Ala3663Thr. To our knowledge, this variant has not been reported in the literature or in a large population database (gnomAD), indicating this variant is rare. At this time, the clinical significance of this variant is uncertain due to the absence of conclusive functional and genetic evidence.

Ambry Genetics
Classification: Uncertain significance for Inborn genetic diseases. Last evaluated: 2022-08-05. Review status: criteria provided, single submitter. Criteria: Ambry Variant Classification Scheme 2023. Collection method: clinical testing. Allele origin: germline.

ITMI
No classification provided. Condition: AllHighlyPenetrant. Last evaluated: 2013-09-19. Review status: no classification provided. Collection method: reference population. Allele origin: germline. Not counted in ClinVar's aggregate classification.
Comment: Please see associated publication for description of ethnicities

Literature cited by the submitters: PubMed 24728327 (cited by ITMI).